The following is an entry in ClinVar:

NM_006208.3(ENPP1):c.331C>T (p.Arg111Cys)

Gene: ENPP1 (ectonucleotide pyrophosphatase/phosphodiesterase 1; plus strand). Cytogenetic location: 6q23.2.
Variant type: single nucleotide variant.
Coding change: c.331C>T on transcript NM_006208.3 (MANE Select); coding-DNA position 331, C replaced by T.
Protein change: p.Arg111Cys; replaces arginine 111 with cysteine.
Molecular consequence: missense variant.
Genome position (GRCh38, 1-based): chr6:131,850,007, C>T. VCF-style: chr6-131850007-C-T. GRCh37 (hg19) VCF-style: chr6-132171147-C-T.
Other names: short protein forms R111C.
Identifiers: ClinVar variation 2977361 (VCV002977361.3), dbSNP rs1370913047, ClinGen allele CA365659484.

ClinVar aggregate classification (germline): Uncertain significance (1 of 4 stars; one submission).

Allele frequency attached by ClinVar (database versions not stated): gnomAD 0.00001; TOPMed 0.00001.
gnomAD v4.1: 9 of 1,613,436 alleles (0.00056%); highest among the groups gnomAD compares: African/African-American, 0.0013%; no homozygotes.

Submission:

Labcorp Genetics (formerly Invitae), Labcorp
Classification: Uncertain significance. Last evaluated: 2023-02-16. Review status: criteria provided, single submitter. Criteria: Invitae Variant Classification Sherloc (09022015). Collection method: clinical testing. Allele origin: germline.
Comment: In summary, the available evidence is currently insufficient to determine the role of this variant in disease. Therefore, it has been classified as a Variant of Uncertain Significance. Advanced modeling of protein sequence and biophysical properties (such as structural, functional, and spatial information, amino acid conservation, physicochemical variation, residue mobility, and thermodynamic stability) performed at Invitae indicates that this missense variant is expected to disrupt ENPP1 protein function. This variant has not been reported in the literature in individuals affected with ENPP1-related conditions. This variant is present in population databases (no rsID available, gnomAD 0.01%). This sequence change replaces arginine, which is basic and polar, with cysteine, which is neutral and slightly polar, at codon 111 of the ENPP1 protein (p.Arg111Cys).